The following is an entry in ClinVar:

NM_033380.3(COL4A5):c.231+1G>A

Gene: COL4A5 (collagen type IV alpha 5 chain; plus strand). Cytogenetic location: Xq22.3.
Variant type: single nucleotide variant.
Coding change: c.231+1G>A on transcript NM_033380.3 (MANE Select); the canonical splice donor site of the intron after coding-DNA position 231, G replaced by A.
Molecular consequence: splice donor variant.
Genome position (GRCh38, 1-based): chrX:108,559,154, G>A. VCF-style: chrX-108559154-G-A. GRCh37 (hg19) VCF-style: chrX-107802384-G-A.
Other names: c.231+1G>A (NM_000495.5).
Identifiers: ClinVar variation 24248 (VCV000024248.13), dbSNP rs104886349, ClinGen allele CA258215.

ClinVar aggregate classification (germline): Pathogenic/Likely pathogenic. Review status: criteria provided, multiple submitters, no conflicts (2 of 4 stars). 3 submissions from 3 submitters: Pathogenic (2); Likely pathogenic (1). Last evaluated 2026-07-08.

Conditions:
X-linked Alport syndrome (ATS1). Also called: NEPHROPATHY AND DEAFNESS, X-LINKED; COL4A5-Related Nephropathy. Identifiers: Orphanet 63, Orphanet 88917, MedGen C4746986, MONDO:0010520, OMIM 301050.

Allele frequency attached by ClinVar (database versions not stated): gnomAD exomes below 0.00001; gnomAD 0.00001.
gnomAD v4.1: 2 of 1,194,790 alleles (0.00017%); highest among the groups gnomAD compares: African/African-American, 0.0018%; no homozygotes.

Submissions (3):

MVZ Martinsried, Medicover Genetics
Classification: Likely pathogenic for X-linked Alport syndrome. Last evaluated: 2026-07-08. Review status: criteria provided, single submitter. Criteria: ClinGen Variant Curation SOP V3.2 + Classification Guidance July2025. Collection method: clinical testing. Allele origin: unknown. Affected: yes. Observed: 1 heterozygote.

Mayo Clinic Laboratories, Mayo Clinic
Classification: Pathogenic. Last evaluated: 2024-07-18. Review status: criteria provided, single submitter. Criteria: ACMG Guidelines, 2015. Collection method: clinical testing. Allele origin: germline. Observed: 1 variant allele.
Comment: PM2, PS4_moderate, PVS1

Labcorp Genetics (formerly Invitae), Labcorp
Classification: Pathogenic. Last evaluated: 2024-01-20. Review status: criteria provided, single submitter. Criteria: Invitae Variant Classification Sherloc (09022015). Collection method: clinical testing. Allele origin: germline.
Comment: This sequence change affects a donor splice site in intron 3 of the COL4A5 gene. It is expected to disrupt RNA splicing. Variants that disrupt the donor or acceptor splice site typically lead to a loss of protein function (PMID: 16199547), and loss-of-function variants in COL4A5 are known to be pathogenic (PMID: 9195222, 10752524, 14514738, 24854265, 26809805). This variant is not present in population databases (gnomAD no frequency). Disruption of this splice site has been observed in individuals with clinical features of Alport syndrome (PMID: 11223851, 26809805; Invitae). This variant is also known as 433+1G>A. ClinVar contains an entry for this variant (Variation ID: 24248). Algorithms developed to predict the effect of sequence changes on RNA splicing suggest that this variant may disrupt the consensus splice site. For these reasons, this variant has been classified as Pathogenic.

Literature cited by the submitters: PubMed 11223851 (cited by Mayo Clinic Laboratories, Mayo Clinic and Labcorp Genetics (formerly Invitae), Labcorp); PubMed 35372954 (cited by Mayo Clinic Laboratories, Mayo Clinic); PubMed 16199547 (cited by Labcorp Genetics (formerly Invitae), Labcorp); PubMed 9195222 (cited by Labcorp Genetics (formerly Invitae), Labcorp); PubMed 10752524 (cited by Labcorp Genetics (formerly Invitae), Labcorp); PubMed 14514738 (cited by Labcorp Genetics (formerly Invitae), Labcorp); PubMed 24854265 (cited by Labcorp Genetics (formerly Invitae), Labcorp); PubMed 26809805 (cited by Labcorp Genetics (formerly Invitae), Labcorp).